The following is an entry in ClinVar:

NM_031935.3(HMCN1):c.2893G>A (p.Val965Ile)

Gene: HMCN1 (hemicentin 1; plus strand). Cytogenetic location: 1q31.1.
Variant type: single nucleotide variant.
Coding change: c.2893G>A on transcript NM_031935.3 (MANE Select); coding-DNA position 2893, G replaced by A.
Protein change: p.Val965Ile; replaces valine 965 with isoleucine.
Molecular consequence: missense variant.
Genome position (GRCh38, 1-based): chr1:185,984,271, G>A. VCF-style: chr1-185984271-G-A. GRCh37 (hg19) VCF-style: chr1-185953403-G-A.
Other names: short protein forms V965I.
Identifiers: ClinVar variation 2419393 (VCV002419393.6), dbSNP rs753590743, ClinGen allele CA1291555.

ClinVar aggregate classification (germline): Uncertain significance (1 of 4 stars; one submission).

Allele frequency attached by ClinVar (database versions not stated): gnomAD exomes 0.00001; ExAC 0.00002; TOPMed 0.00002; gnomAD 0.00003.
gnomAD v4.1: 22 of 1,613,854 alleles (0.0014%); highest among the groups gnomAD compares: Middle Eastern, 0.033%; no homozygotes.

Submission:

Labcorp Genetics (formerly Invitae), Labcorp
Classification: Uncertain significance. Last evaluated: 2025-05-14. Review status: criteria provided, single submitter. Criteria: Invitae Variant Classification Sherloc (09022015). Collection method: clinical testing. Allele origin: germline.
Comment: This sequence change replaces valine, which is neutral and non-polar, with isoleucine, which is neutral and non-polar, at codon 965 of the HMCN1 protein (p.Val965Ile). This variant is present in population databases (rs753590743, gnomAD 0.01%). This variant has not been reported in the literature in individuals affected with HMCN1-related conditions. ClinVar contains an entry for this variant (Variation ID: 2419393). An algorithm developed to predict the effect of missense changes on protein structure and function outputs the following: PolyPhen-2: "Benign". The isoleucine amino acid residue is found in multiple mammalian species, which suggests that this missense change does not adversely affect protein function. In summary, the available evidence is currently insufficient to determine the role of this variant in disease. Therefore, it has been classified as a Variant of Uncertain Significance.